The following is an entry in ClinVar:

NM_001384732.1(CPLANE1):c.5782G>A (p.Ala1928Thr)

Gene: CPLANE1 (ciliogenesis and planar polarity effector complex subunit 1; minus strand). Cytogenetic location: 5p13.2.
Variant type: single nucleotide variant.
Coding change: c.5782G>A on transcript NM_001384732.1 (MANE Select); coding-DNA position 5782, G replaced by A.
Protein change: p.Ala1928Thr; replaces alanine 1928 with threonine.
Molecular consequence: missense variant.
Genome position (GRCh38, 1-based): chr5:37,179,399, C>T on the plus strand (G>A on the coding strand, the complement: CPLANE1 is on the minus strand). VCF-style: chr5-37179399-C-T. GRCh37 (hg19) VCF-style: chr5-37179501-C-T.
Other names: c.5782G>A, p.Ala1928Thr (NM_023073.4); short protein forms A1928T.
Identifiers: ClinVar variation 2112431 (VCV002112431.4), dbSNP rs2547757194, ClinGen allele CA359488854.
Genomic context (GRCh38, chr5:37,179,399, plus strand): 5'-TATCCACTATTTATTGACTTACTTCTTCTAACTGCTGTGGTAAAGTCATCATGCAAATGG[C>T]AAGACTGGGACTTCTGAAACCTCCAACAGATTCTTCAATGTCTTCTAGCGATAAGTGAAG-3'
Protein context (NP_001371661.1, residues 1918-1938): SVGGFRSPSL[Ala1928Thr]ICMMTLPQQL

ClinVar aggregate classification (germline): Uncertain significance (1 of 4 stars; one submission).

Allele frequency attached by ClinVar (database versions not stated): gnomAD exomes below 0.00001.
gnomAD v4.1: 1 of 1,613,282 alleles (0.000062%); highest among the groups gnomAD compares: South Asian, 0.0011%; no homozygotes.

Submission:

Labcorp Genetics (formerly Invitae), Labcorp
Classification: Uncertain significance. Last evaluated: 2022-03-15. Review status: criteria provided, single submitter. Criteria: Invitae Variant Classification Sherloc (09022015). Collection method: clinical testing. Allele origin: germline.
Comment: In summary, the available evidence is currently insufficient to determine the role of this variant in disease. Therefore, it has been classified as a Variant of Uncertain Significance. Advanced modeling of protein sequence and biophysical properties (such as structural, functional, and spatial information, amino acid conservation, physicochemical variation, residue mobility, and thermodynamic stability) performed at Invitae indicates that this missense variant is not expected to disrupt CPLANE1 protein function. This variant has not been reported in the literature in individuals affected with CPLANE1-related conditions. This variant is not present in population databases (gnomAD no frequency). This sequence change replaces alanine, which is neutral and non-polar, with threonine, which is neutral and polar, at codon 1928 of the CPLANE1 protein (p.Ala1928Thr).